The following is an entry in ClinVar:

ClinVar aggregate classification (germline): Uncertain significance (1 of 4 stars; one submission).

Submission:

Labcorp Genetics (formerly Invitae), Labcorp
Classification: Uncertain significance. Last evaluated: 2026-01-12. Review status: criteria provided, single submitter. Criteria: Invitae Variant Classification Sherloc (09022015). Collection method: clinical testing. Allele origin: germline.
Comment: This sequence change creates a premature translational stop signal (p.Lys572Glufs*8) in the TRIP4 gene. While this is not anticipated to result in nonsense mediated decay, it is expected to disrupt the last 10 amino acid(s) of the TRIP4 protein. This variant is not present in population databases (gnomAD no frequency). This variant has not been reported in the literature in individuals affected with TRIP4-related conditions. ClinVar contains an entry for this variant (Variation ID: 2030986). In summary, the available evidence is currently insufficient to determine the role of this variant in disease. Therefore, it has been classified as a Variant of Uncertain Significance.

NM_016213.5(TRIP4):c.1709dup (p.Lys572fs)

Gene: TRIP4 (thyroid hormone receptor interactor 4; plus strand). Cytogenetic location: 15q22.31.
Variant type: Duplication.
Coding change: c.1709dup on transcript NM_016213.5 (MANE Select); coding-DNA position 1709, one base duplicated (C; older notation c.1709dupC).
Protein change: p.Lys572fs; shifts the reading frame from lysine 572.
Molecular consequence: frameshift variant. On other transcripts: non-coding transcript variant (1).
Genome position (GRCh38, 1-based): chr15:64,455,027, C duplicated. VCF-style (leftmost placement, unchanged base first): chr15-64455026-G-GC. GRCh37 (hg19) VCF-style: chr15-64747225-G-GC.
Other names: c.1019dup, p.Lys342fs (NM_001321924.2); short protein forms K342fs, K572fs.
Identifiers: ClinVar variation 2030986 (VCV002030986.4), dbSNP rs2505514538, ClinGen allele CA2580089853.